The following is an entry in ClinVar:

ClinVar aggregate classification (germline): Uncertain significance. Review status: criteria provided, multiple submitters, no conflicts (2 of 4 stars). 2 submissions from 2 submitters: Uncertain significance (2). Last evaluated 2026-03-27.

Conditions:
PHGDH deficiency. Identifiers: Orphanet 79351, MedGen C1866174, MONDO:0011152, OMIM 601815.

Allele frequency attached by ClinVar (database versions not stated): ESP Exome Variant Server 0.00015; 1000 Genomes Project 30x 0.00016.

Submissions (3):

GeneDx
Classification: Uncertain significance. Last evaluated: 2026-03-27. Review status: criteria provided, single submitter. Criteria: GeneDx Variant Classification Process June 2021. Collection method: clinical testing. Allele origin: germline.
Comment: Not observed at significant frequency in large population cohorts (gnomAD); In silico analysis supports that this missense variant has a deleterious effect on protein structure/function; Has not been previously published as pathogenic or benign to our knowledge

Labcorp Genetics (formerly Invitae), Labcorp
Classification: Uncertain significance for PHGDH deficiency. Last evaluated: 2022-07-24. Review status: criteria provided, single submitter. Criteria: Invitae Variant Classification Sherloc (09022015). Collection method: clinical testing. Allele origin: germline.
Comment: This sequence change replaces glutamine, which is neutral and polar, with histidine, which is basic and polar, at codon 46 of the PHGDH protein (p.Gln46His). This variant also falls at the last nucleotide of exon 1, which is part of the consensus splice site for this exon. This variant is present in population databases (rs143217390, gnomAD 0.01%). This variant has not been reported in the literature in individuals affected with PHGDH-related conditions. ClinVar contains an entry for this variant (Variation ID: 1428429). Algorithms developed to predict the effect of missense changes on protein structure and function are either unavailable or do not agree on the potential impact of this missense change (SIFT: "Tolerated"; PolyPhen-2: "Possibly Damaging"; Align-GVGD: "Class C0"). Variants that disrupt the consensus splice site are a relatively common cause of aberrant splicing (PMID: 17576681, 9536098). Algorithms developed to predict the effect of sequence changes on RNA splicing suggest that this variant may disrupt the consensus splice site. In summary, the available evidence is currently insufficient to determine the role of this variant in disease. Therefore, it has been classified as a Variant of Uncertain Significance.

Dr. Peter K. Rogan Lab, Western University
No classification provided (evidence only). Condition: Malignant tumor of esophagus. Review status: no classification provided. Collection method: in vitro. Allele origin: not applicable. Functional consequence: retained intron. Not counted in ClinVar's aggregate classification.

Literature cited by the submitters: PubMed 17576681 (cited by Labcorp Genetics (formerly Invitae), Labcorp); PubMed 9536098 (cited by Labcorp Genetics (formerly Invitae), Labcorp).

NM_006623.4(PHGDH):c.138G>C (p.Gln46His)

Gene: PHGDH (phosphoglycerate dehydrogenase; plus strand). Cytogenetic location: 1p12.
Variant type: single nucleotide variant.
Coding change: c.138G>C on transcript NM_006623.4 (MANE Select); coding-DNA position 138, G replaced by C.
Protein change: p.Gln46His; replaces glutamine 46 with histidine.
Molecular consequence: missense variant.
Genome position (GRCh38, 1-based): chr1:119,712,160, G>C. VCF-style: chr1-119712160-G-C. GRCh37 (hg19) VCF-style: chr1-120254783-G-C.
Other names: c.138G>C (NM_006623.3); short protein forms Q46H.
Identifiers: ClinVar variation 1428429 (VCV001428429.8), dbSNP rs143217390, ClinGen allele CA1036920.